The following is an entry in ClinVar:

ClinVar aggregate classification (germline): Uncertain significance (1 of 4 stars; one submission).

Submission:

GeneDx
Classification: Uncertain significance. Last evaluated: 2024-04-11. Review status: criteria provided, single submitter. Criteria: GeneDx Variant Classification Process June 2021. Collection method: clinical testing. Allele origin: germline. Affected: yes.
Comment: Not observed at significant frequency in large population cohorts (gnomAD); In silico analysis supports a deleterious effect on protein structure/function; Has not been previously published as pathogenic or benign to our knowledge

NM_003047.5(SLC9A1):c.943_944delinsGG (p.Ile315Gly)

Gene: SLC9A1 (solute carrier family 9 member A1; minus strand). Cytogenetic location: 1p36.11.
Variant type: Indel.
Coding change: c.943_944delinsGG on transcript NM_003047.5 (MANE Select); coding-DNA positions 943 to 944, AT replaced by GG.
Protein change: p.Ile315Gly; replaces isoleucine 315 with glycine.
Molecular consequence: missense variant. On other transcripts: non-coding transcript variant (1).
Genome position (GRCh38, 1-based): chr1:27,109,647-27,109,648, AT replaced by CC on the plus strand (AT replaced by GG on the coding strand, the reverse complement: SLC9A1 is on the minus strand). VCF-style: chr1-27109647-AT-CC. GRCh37 (hg19) VCF-style: chr1-27436138-AT-CC.
Other names: short protein forms I315G.
Identifiers: ClinVar variation 3372458 (VCV003372458.1).
Genomic context (GRCh38, chr1:27,109,647, plus strand): 5'-AAGACGAAGAGCGGCTCGATGACCCGGATGTGGGAGGTAAATCGGGAGGTGAAGGCTGCG[AT>CC]GACCCCGTAGACCACGCCCACAAGCACCCCGCCCAGGGCCACCACGAAGAAGCTCAGGAA-3'
Protein context (NP_003038.2, residues 305-325): GVLVGVVYGV[Ile315Gly]AAFTSRFTSH